The following is an entry in ClinVar:

ClinVar aggregate classification (germline): Uncertain significance. Review status: criteria provided, multiple submitters, no conflicts (2 of 4 stars). 2 submissions from 2 submitters: Uncertain significance (2). Last evaluated 2024-12-01.

Conditions:
Deficiency of ferroxidase (ACEP). Also called: NEURODEGENERATION WITH BRAIN IRON ACCUMULATION 10; Aceruloplasminemia; Ceruloplasmin deficiency; Familial apoceruloplasmin deficiency; Hereditary ceruloplasmin deficiency; Deficiency of ceruloplasmin. Identifiers: Orphanet 48818, MedGen C0878682, MONDO:0011426, OMIM 604290, HP:0025498.

Allele frequency attached by ClinVar (database versions not stated): ExAC 0.00001; gnomAD exomes 0.00001 and 0.00004.
gnomAD v4.1: 50 of 1,613,118 alleles (0.0031%); highest among the groups gnomAD compares: Non-Finnish European, 0.0042%; no homozygotes.

Submissions (2):

CeGaT Center for Human Genetics Tuebingen
Classification: Uncertain significance. Last evaluated: 2024-12-01. Review status: criteria provided, single submitter. Criteria: CeGaT Center For Human Genetics Tuebingen Variant Classification Criteria Version 2. Collection method: clinical testing. Allele origin: germline. Affected: yes. Observed: 1 variant allele.
Comment: CP: PM2, BP4

Labcorp Genetics (formerly Invitae), Labcorp
Classification: Uncertain significance for Deficiency of ferroxidase. Last evaluated: 2021-12-05. Review status: criteria provided, single submitter. Criteria: Invitae Variant Classification Sherloc (09022015). Collection method: clinical testing. Allele origin: germline.
Comment: This sequence change falls in intron 10 of the CP gene. It does not directly change the encoded amino acid sequence of the CP protein. This variant is present in population databases (rs750574317, gnomAD 0.002%). This variant has not been reported in the literature in individuals affected with CP-related conditions. Algorithms developed to predict the effect of sequence changes on RNA splicing suggest that this variant may disrupt the consensus splice site. In summary, the available evidence is currently insufficient to determine the role of this variant in disease. Therefore, it has been classified as a Variant of Uncertain Significance.

NM_000096.4(CP):c.1865-5T>A

Gene: CP (ceruloplasmin; minus strand). Cytogenetic location: 3q24.
Variant type: single nucleotide variant.
Coding change: c.1865-5T>A on transcript NM_000096.4 (MANE Select); 5 bases into the intron before coding-DNA position 1865, T replaced by A.
Molecular consequence: intron variant.
Genome position (GRCh38, 1-based): chr3:149,186,737, A>T on the plus strand (T>A on the coding strand, the complement: CP is on the minus strand). VCF-style: chr3-149186737-A-T. GRCh37 (hg19) VCF-style: chr3-148904524-A-T.
Identifiers: ClinVar variation 1424449 (VCV001424449.19), dbSNP rs750574317, ClinGen allele CA2660900.